The following is an entry in ClinVar:

NM_017852.5(NLRP2):c.3050+433A>C

Gene: NLRP2 (NLR family pyrin domain containing 2; plus strand). Cytogenetic location: 19q13.42.
Variant type: single nucleotide variant.
Coding change: c.3050+433A>C on transcript NM_017852.5 (MANE Select); 433 bases into the intron after coding-DNA position 3050, A replaced by C.
Molecular consequence: intron variant.
Genome position (GRCh38, 1-based): chr19:54,997,920, A>C. VCF-style: chr19-54997920-A-C. GRCh37 (hg19) VCF-style: chr19-55509288-A-C.
Other names: c.3050+433A>C (NM_001174081.3); c.3041+433A>C (NM_001348003.2); c.2984+433A>C (NM_001174082.3); c.2981+433A>C (NM_001174083.2).
Identifiers: ClinVar variation 103067 (VCV000103067.2), dbSNP rs199476222, ClinGen allele CA230064.

ClinVar aggregate classification (germline): not provided (0 of 4 stars; one submission).

Submission:

Human Evolutionary Genetics, Institut Pasteur
No classification provided. Review status: no classification provided. Collection method: not provided. Allele origin: germline.
ClinVar note: Converted during submission from untested to not provided.